The following is an entry in ClinVar:

ClinVar aggregate classification (germline): Uncertain significance. Review status: criteria provided, multiple submitters, no conflicts (2 of 4 stars). 3 submissions from 3 submitters: Uncertain significance (3). Last evaluated 2018-01-13.

Conditions:
Maturity-onset diabetes of the young (MODY). Also called: Maturity onset diabetes mellitus in young. Identifiers: Orphanet 552, MedGen C0342276, MONDO:0018911, HP:0004904.
Renal cysts and diabetes syndrome (RCAD). Also called: Familial hypoplastic, glomerulocystic kidney; MATURITY-ONSET DIABETES OF THE YOUNG, TYPE 5. Identifiers: Orphanet 93111, MedGen C0431693, MONDO:0007669, OMIM 137920.

Allele frequency attached by ClinVar (database versions not stated): 1000 Genomes Project 30x 0.00016; 1000 Genomes Project 0.00020; gnomAD 0.00029; TOPMed 0.00045.
gnomAD v4.1: 98 of 341,534 alleles (0.029%); highest among the groups gnomAD compares: Middle Eastern, 0.39%; no homozygotes.

Submissions (3):

Illumina Laboratory Services, Illumina
Classification: Uncertain significance for Renal cysts and diabetes syndrome. Last evaluated: 2018-01-13. Review status: criteria provided, single submitter. Criteria: ICSL Variant Classification Criteria 13 December 2019. Collection method: clinical testing. Allele origin: germline.

Breakthrough Genomics
Classification: Uncertain significance. Review status: criteria provided, single submitter. Criteria: ACMG Guidelines, 2015. Collection method: not provided. Allele origin: germline. Inheritance: Autosomal dominant inheritance. Affected: yes.

Clinical Genomics, Uppaluri K&H Personalized Medicine Clinic
Classification: Uncertain significance for Maturity-onset diabetes of the young. Review status: criteria provided, single submitter. Criteria: K & H Uppaluri Personalized Medicine Clinic Variant Classification & Assertion Criteria_Updated V.1. Collection method: research. Allele origin: unknown. Inheritance: Autosomal dominant inheritance.
Comment: HNF1B gene mutations are associated with early onset diabetes and pancreatic atrophy. It is also associated with multiple renal manifestations including renal cysts, Tubulointerstitial disease, glomerulocystic disease, renal hypoplasia, hypomagnesemia. However no sufficient evidence is found to ascertain the role of this particular variant rs571607314, yet.

Literature cited by the submitters: PubMed 24897035 (cited by Clinical Genomics, Uppaluri K&H Personalized Medicine Clinic); PubMed 25536396 (cited by Clinical Genomics, Uppaluri K&H Personalized Medicine Clinic); PubMed 27615128 (cited by Clinical Genomics, Uppaluri K&H Personalized Medicine Clinic); PubMed 28215227 (cited by Clinical Genomics, Uppaluri K&H Personalized Medicine Clinic); PubMed 33434175 (cited by Clinical Genomics, Uppaluri K&H Personalized Medicine Clinic); PubMed 25741167 (cited by Clinical Genomics, Uppaluri K&H Personalized Medicine Clinic); PubMed 26340261 (cited by Clinical Genomics, Uppaluri K&H Personalized Medicine Clinic); PubMed 19639018 (cited by Clinical Genomics, Uppaluri K&H Personalized Medicine Clinic).

NM_000458.4(HNF1B):c.*445A>G

Gene: HNF1B (HNF1 homeobox B; minus strand). Cytogenetic location: 17q12.
Variant type: single nucleotide variant.
Coding change: c.*445A>G on transcript NM_000458.4 (MANE Select); 445 bases downstream of the stop codon, A replaced by G.
Molecular consequence: 3 prime UTR variant.
Genome position (GRCh38, 1-based): chr17:37,686,927, T>C on the plus strand (A>G on the coding strand, the complement: HNF1B is on the minus strand). VCF-style: chr17-37686927-T-C. GRCh37 (hg19) VCF-style: chr17-36046930-T-C.
Other names: c.*445A>G (NM_001165923.4); c.*353A>G (NM_001304286.2).
Identifiers: ClinVar variation 322935 (VCV000322935.7), dbSNP rs571607314, ClinGen allele CA10650000.